The following is an entry in ClinVar:

NM_001374828.1(ARID1B):c.6784G>A (p.Ala2262Thr)

Gene: ARID1B (AT-rich interaction domain 1B; plus strand). Cytogenetic location: 6q25.3.
Variant type: single nucleotide variant.
Coding change: c.6784G>A on transcript NM_001374828.1 (MANE Select); coding-DNA position 6784, G replaced by A.
Protein change: p.Ala2262Thr; replaces alanine 2262 with threonine.
Molecular consequence: missense variant.
Genome position (GRCh38, 1-based): chr6:157,207,556, G>A. VCF-style: chr6-157207556-G-A. GRCh37 (hg19) VCF-style: chr6-157528690-G-A.
Other names: c.4285G>A, p.Ala1429Thr (NM_001363725.2); c.6664G>A, p.Ala2222Thr (NM_001371656.1, NM_001374820.1); c.6625G>A, p.Ala2209Thr (NM_017519.3); short protein forms A1429T, A2209T, A2222T, A2262T.
Identifiers: ClinVar variation 1029468 (VCV001029468.1), dbSNP rs1413279513, ClinGen allele CA366249050.

ClinVar aggregate classification (germline): Uncertain significance (1 of 4 stars; one submission).

Conditions:
Coffin-Siris syndrome 1 (CSS1). Also called: ARID1B-Related Coffin-Siris Syndrome; Mental retardation, autosomal dominant 12. Identifiers: Orphanet 1465, MedGen C3281201, MONDO:0007617, OMIM 135900. Disease mechanism: gain of function.

Allele frequency attached by ClinVar (database versions not stated): gnomAD exomes below 0.00001; TOPMed below 0.00001; gnomAD 0.00001.
gnomAD v4.1: 8 of 1,614,042 alleles (0.0005%); highest among the groups gnomAD compares: Non-Finnish European, 0.00068%; no homozygotes.

Submission:

Baylor Genetics
Classification: Uncertain significance for Coffin-Siris syndrome 1. Last evaluated: 2019-08-08. Review status: criteria provided, single submitter. Criteria: ACMG Guidelines, 2015. Collection method: clinical testing. Allele origin: unknown. Affected: yes.
Comment: This variant was determined to be of uncertain significance according to ACMG Guidelines, 2015 [PMID:25741868].